The following is an entry in ClinVar:

ClinVar aggregate classification (germline): Conflicting classifications of pathogenicity. Review status: criteria provided, conflicting classifications (1 of 4 stars). 2 submissions from 2 submitters: Likely pathogenic (1); Uncertain significance (1). Last evaluated 2023-08-04.

Conditions:
Deafness with labyrinthine aplasia, microtia, and microdontia. Also called: Congenital Deafness with Inner Ear Agenesis, Microtia, and Microdontia; DEAFNESS WITH LAMM; DEAFNESS, CONGENITAL, WITH LABYRINTHINE APLASIA, MICROTIA, AND MICRODONTIA. Identifiers: Orphanet 90024, MedGen C1853144, MONDO:0012541, OMIM 610706.

Allele frequency attached by ClinVar (database versions not stated): gnomAD 0.00001.
gnomAD v4.1: 1 of 1,613,460 alleles (0.000062%); highest among the groups gnomAD compares: African/African-American, 0.0013%; no homozygotes.

Submissions (2):

Revvity Omics, Revvity
Classification: Likely pathogenic for Deafness with labyrinthine aplasia, microtia, and microdontia. Last evaluated: 2023-08-04. Review status: criteria provided, single submitter. Criteria: ACMG Guidelines, 2015. Collection method: clinical testing. Allele origin: germline.

Neuberg Centre For Genomic Medicine, NCGM
Classification: Uncertain significance for Deafness with labyrinthine aplasia, microtia, and microdontia. Review status: criteria provided, single submitter. Criteria: ACMG Guidelines, 2015. Collection method: clinical testing. Allele origin: germline. Inheritance: Autosomal recessive inheritance. Affected: yes.
Comment: The missense variant c.314T>A p.Leu105His in FGF3 gene has not been reported previously as a pathogenic variant nor as a benign variant, to our knowledge. The observed variant is absent in gnomAD exomes database. This variant has not been submitted to the ClinVar database. Multiple lines of computational evidence Polyphen - probably damaging, SIFT - damaging and MutationTaster - disease causing predict a damaging effect on protein structure and function for this variant. The amino acid change p.Leu105His in FGF3 is predicted as conserved by GERP++ and PhyloP across 100 vertebrates. The amino acid Leu at position 105 is changed to a His changing protein sequence and it might alter its composition and physico-chemical properties. For these reasons, this variant has been classified as Uncertain Significance VUS.

NM_005247.4(FGF3):c.314T>A (p.Leu105His)

Gene: FGF3 (fibroblast growth factor 3; minus strand). Cytogenetic location: 11q13.3.
Variant type: single nucleotide variant.
Coding change: c.314T>A on transcript NM_005247.4 (MANE Select); coding-DNA position 314, T replaced by A.
Protein change: p.Leu105His; replaces leucine 105 with histidine.
Molecular consequence: missense variant.
Genome position (GRCh38, 1-based): chr11:69,816,330, A>T on the plus strand (T>A on the coding strand, the complement: FGF3 is on the minus strand). VCF-style: chr11-69816330-A-T. GRCh37 (hg19) VCF-style: chr11-69631098-A-T.
Other names: short protein forms L105H.
Identifiers: ClinVar variation 2441421 (VCV002441421.4), dbSNP rs1856132408, ClinGen allele CA381664110.